The following is an entry in ClinVar:

ClinVar aggregate classification (germline): Uncertain significance (1 of 4 stars; one submission).

Conditions:
Developmental and epileptic encephalopathy, 9 (DEE9). Also called: Early infantile epileptic encephalopathy 9; EPILEPSY, FEMALE-RESTRICTED, WITH MENTAL RETARDATION; JUBERG-HELLMAN SYNDROME; PCDH19-Related X-Linked Female-Limited Epilepsy with Mental Retardation. Identifiers: Orphanet 101039, Orphanet 2076, MedGen C1848137, MONDO:0010246, OMIM 300088. Disease mechanism: loss of function.

Submission:

Labcorp Genetics (formerly Invitae), Labcorp
Classification: Uncertain significance for Developmental and epileptic encephalopathy, 9. Last evaluated: 2022-01-13. Review status: criteria provided, single submitter. Criteria: Invitae Variant Classification Sherloc (09022015). Collection method: clinical testing. Allele origin: germline.
Comment: In summary, the available evidence is currently insufficient to determine the role of this variant in disease. Therefore, it has been classified as a Variant of Uncertain Significance. Experimental studies and prediction algorithms are not available or were not evaluated, and the functional significance of this variant is currently unknown. This frameshift has been observed in individual(s) with clinical features of developmental and epileptic encephalopathy (Invitae). This variant is not present in population databases (gnomAD no frequency). This sequence change results in a frameshift in the PCDH19 gene (p.Ile1146Metfs*50). While this is not anticipated to result in nonsense mediated decay, it is expected to disrupt the last 3 amino acid(s) of the PCDH19 protein and extend the protein by 46 additional amino acid residues.

NM_001184880.2(PCDH19):c.3438del (p.Ile1146fs)

Gene: PCDH19 (protocadherin 19; minus strand). Cytogenetic location: Xq22.1.
Variant type: Deletion.
Coding change: c.3438del on transcript NM_001184880.2 (MANE Select); coding-DNA position 3438, one base deleted (C; older notation c.3438delC).
Protein change: p.Ile1146fs; shifts the reading frame from isoleucine 1146.
Molecular consequence: frameshift variant.
Genome position (GRCh38, 1-based): chrX:100,296,286, G deleted on the plus strand (C on the coding strand, the reverse complement: PCDH19 is on the minus strand). VCF-style (leftmost placement, unchanged base first): chrX-100296285-CG-C. GRCh37 (hg19) VCF-style: chrX-99551283-CG-C.
Other names: c.3297del, p.Ile1099fs (NM_001105243.2); c.3294del, p.Ile1098fs (NM_020766.3); short protein forms I1099fs, I1098fs, I1146fs.
Identifiers: ClinVar variation 1366048 (VCV001366048.6), dbSNP rs764067138, ClinGen allele CA10468623.